The following is an entry in ClinVar:

ClinVar aggregate classification (germline): Benign. Review status: criteria provided, multiple submitters, no conflicts (2 of 4 stars). 2 submissions from 2 submitters: Benign (2). Last evaluated 2018-06-14.

Allele frequency attached by ClinVar (database versions not stated): 1000 Genomes Project 30x 0.17317; 1000 Genomes Project 0.17372; gnomAD 0.20538; TOPMed 0.20545; gnomAD exomes 0.24378.
gnomAD v4.1: 174,308 of 735,970 alleles (24%); highest among the groups gnomAD compares: South Asian, 28%; 22,256 homozygotes.

Submissions (2):

GeneDx
Classification: Benign. Last evaluated: 2018-06-14. Review status: criteria provided, single submitter. Criteria: GeneDx Variant Classification (06012015). Collection method: clinical testing. Allele origin: germline. Affected: yes.
Comment: This variant is considered likely benign or benign based on one or more of the following criteria: it is a conservative change, it occurs at a poorly conserved position in the protein, it is predicted to be benign by multiple in silico algorithms, and/or has population frequency not consistent with disease.

Breakthrough Genomics
Classification: Benign. Review status: criteria provided, single submitter. Criteria: ACMG Guidelines, 2015. Collection method: not provided. Allele origin: germline. Inheritance: Autosomal recessive inheritance. Affected: yes.

NM_203447.4(DOCK8):c.2874+133A>C

Gene: DOCK8 (dedicator of cytokinesis 8; plus strand). Cytogenetic location: 9p24.3.
Variant type: single nucleotide variant.
Coding change: c.2874+133A>C on transcript NM_203447.4 (MANE Select); 133 bases into the intron after coding-DNA position 2874, A replaced by C.
Molecular consequence: intron variant.
Genome position (GRCh38, 1-based): chr9:386,559, A>C. VCF-style: chr9-386559-A-C. GRCh37 (hg19) VCF-style: chr9-386559-A-C.
Other names: c.2670+133A>C (NM_001193536.2); c.2574+3874A>C (NM_001190458.2).
Identifiers: ClinVar variation 673290 (VCV000673290.2), dbSNP rs12551444, ClinGen allele CA13022859.
Genomic context (GRCh38, chr9:386,559, plus strand): 5'-CTTGGGAATAGTCAAAGTGCTCCCCTGCCTGTCCCTGATGTGCTAACACACACACACCCC[A>C]CACACACTTTTGCAGCCCTGTCCTTTACGCCACATTTGACCACCTAATTGCCCATTAACT-3'